The following is an entry in ClinVar:

ClinVar aggregate classification (germline): Likely pathogenic (1 of 4 stars; one submission).

Conditions:
Breast-ovarian cancer, familial, susceptibility to, 2 (BROVCA2). Also called: BRCA2 Hereditary Breast and Ovarian Cancer. Identifiers: Orphanet 145, MedGen C2675520, MONDO:0012933, OMIM 612555. Disease mechanism: loss of function.

Submission:

Medical Genetics Laboratory, Aydin Adnan Menderes University
Classification: Likely pathogenic for Breast-ovarian cancer, familial, susceptibility to, 2. Last evaluated: 2025-07-19. Review status: criteria provided, single submitter. Criteria: ACMG Guidelines, 2015. Collection method: clinical testing. Allele origin: germline. Inheritance: Autosomal dominant inheritance. Affected: yes. Observed: 1 heterozygote.
Comment: The BRCA2 c.5548A>T p.(Lys1850*) variant is a novel nonsense variant predicted to cause NMD. Given the well-established role of BRCA2 loss-of-function in hereditary breast and ovarian cancer, and the absence of the variant in gnomAD, it is classified as likely pathogenic (PVS1, PM2).

NM_000059.4(BRCA2):c.5548A>T (p.Lys1850Ter)

Gene: BRCA2 (BRCA2 DNA repair associated; plus strand). Cytogenetic location: 13q13.1.
Variant type: single nucleotide variant.
Coding change: c.5548A>T on transcript NM_000059.4 (MANE Select); coding-DNA position 5548, A replaced by T.
Protein change: p.Lys1850Ter; replaces lysine 1850 with a stop codon.
Molecular consequence: nonsense. On other transcripts: non-coding transcript variant (1), intron variant (2).
Genome position (GRCh38, 1-based): chr13:32,339,903, A>T. VCF-style: chr13-32339903-A-T. GRCh37 (hg19) VCF-style: chr13-32914040-A-T.
Other names: c.5548A>T, p.Lys1850Ter (NM_001406719.1, NM_001406720.1, NM_001432077.1); c.1910-4655A>T (NM_001406721.1); c.425-4655A>T (NM_001406722.1); short protein forms K1850*.
Identifiers: ClinVar variation 4073571 (VCV004073571.1).